The following is an entry in ClinVar:

ClinVar aggregate classification (germline): Uncertain significance (1 of 4 stars; one submission).

Conditions:
Epilepsy, familial adult myoclonic, 5 (EPEO5). Also called: CORTICAL MYOCLONIC TREMOR WITH EPILEPSY, FAMILIAL, 5. Identifiers: Orphanet 86814, MedGen C3809374, MONDO:0014167, OMIM 615400.

Allele frequency attached by ClinVar (database versions not stated): gnomAD 0.00001.
gnomAD v4.1: 1 of 1,614,056 alleles (0.000062%); highest among the groups gnomAD compares: Admixed American, 0.0017%; no homozygotes.

Submission:

Labcorp Genetics (formerly Invitae), Labcorp
Classification: Uncertain significance for Epilepsy, familial adult myoclonic, 5. Last evaluated: 2021-06-22. Review status: criteria provided, single submitter. Criteria: Invitae Variant Classification Sherloc (09022015). Collection method: clinical testing. Allele origin: germline.
Comment: In summary, the available evidence is currently insufficient to determine the role of this variant in disease. Therefore, it has been classified as a Variant of Uncertain Significance. Advanced modeling of protein sequence and biophysical properties (such as structural, functional, and spatial information, amino acid conservation, physicochemical variation, residue mobility, and thermodynamic stability) performed at Invitae indicates that this missense variant is not expected to disrupt CNTN2 protein function. This variant has not been reported in the literature in individuals with CNTN2-related conditions. This variant is not present in population databases (ExAC no frequency). This sequence change replaces methionine with threonine at codon 494 of the CNTN2 protein (p.Met494Thr). The methionine residue is highly conserved and there is a moderate physicochemical difference between methionine and threonine.

NM_005076.5(CNTN2):c.1481T>C (p.Met494Thr)

Gene: CNTN2 (contactin 2; plus strand). Cytogenetic location: 1q32.1.
Variant type: single nucleotide variant.
Coding change: c.1481T>C on transcript NM_005076.5 (MANE Select); coding-DNA position 1481, T replaced by C.
Protein change: p.Met494Thr; replaces methionine 494 with threonine.
Molecular consequence: missense variant. On other transcripts: non-coding transcript variant (1).
Genome position (GRCh38, 1-based): chr1:205,064,712, T>C. VCF-style: chr1-205064712-T-C. GRCh37 (hg19) VCF-style: chr1-205033840-T-C.
Other names: c.1481T>C, p.Met494Thr (NM_001346083.2); short protein forms M494T.
Identifiers: ClinVar variation 1460970 (VCV001460970.8), dbSNP rs1654184527, ClinGen allele CA344375186.